The following is an entry in ClinVar:

ClinVar aggregate classification (germline): Likely benign. Review status: criteria provided, single submitter (1 of 4 stars). 2 submissions from 2 submitters: Likely benign (1). 1 of the submissions does not count toward it. Last evaluated 2026-09-01.

Conditions:
NUP188-related disorder. Also called: NUP188-related condition.

Allele frequency attached by ClinVar (database versions not stated): ESP Exome Variant Server 0.00015; gnomAD exomes 0.00040; gnomAD 0.00113; TOPMed 0.00130; ExAC 0.00139; 1000 Genomes Project 0.00220; 1000 Genomes Project 30x 0.00250.
gnomAD v4.1: 755 of 1,614,186 alleles (0.047%); highest among the groups gnomAD compares: Admixed American, 1.2%; 12 homozygotes.

Submissions (2):

CeGaT Center for Human Genetics Tuebingen
Classification: Likely benign. Last evaluated: 2026-09-01. Review status: criteria provided, single submitter. Criteria: CeGaT Center For Human Genetics Tuebingen Variant Classification Criteria Version 2. Collection method: clinical testing. Allele origin: germline. Affected: yes. Observed: 5 variant alleles.
Comment: NUP188: BP4, BP7, BS1

PreventionGenetics, part of Exact Sciences
Classification: Benign for NUP188-related condition. Last evaluated: 2019-06-06. Review status: no assertion criteria provided. Collection method: clinical testing. Allele origin: germline. Not counted in ClinVar's aggregate classification.
Comment: This variant is classified as benign based on ACMG/AMP sequence variant interpretation guidelines (Richards et al. 2015 PMID: 25741868, with internal and published modifications).

NM_015354.3(NUP188):c.2580C>T (p.Tyr860=)

Gene: NUP188 (nucleoporin 188; plus strand). Cytogenetic location: 9q34.11.
Variant type: single nucleotide variant.
Coding change: c.2580C>T on transcript NM_015354.3 (MANE Select); coding-DNA position 2580, C replaced by T.
Protein change: p.Tyr860=; no amino-acid change (tyrosine 860 retained).
Molecular consequence: synonymous variant.
Genome position (GRCh38, 1-based): chr9:128,990,166, C>T. VCF-style: chr9-128990166-C-T. GRCh37 (hg19) VCF-style: chr9-131752445-C-T.
Identifiers: ClinVar variation 3059193 (VCV003059193.12), dbSNP rs146316337, ClinGen allele CA5272697.